The following is an entry in ClinVar:

ClinVar aggregate classification (germline): Uncertain significance (1 of 4 stars; one submission).

Submission:

CeGaT Center for Human Genetics Tuebingen
Classification: Uncertain significance. Last evaluated: 2024-08-01. Review status: criteria provided, single submitter. Criteria: CeGaT Center For Human Genetics Tuebingen Variant Classification Criteria Version 2. Collection method: clinical testing. Allele origin: germline. Affected: yes. Observed: 1 variant allele.
Comment: NEFL: PM2

NM_006158.5(NEFL):c.313A>T (p.Ile105Phe)

Gene: NEFL (neurofilament light chain; minus strand). Cytogenetic location: 8p21.2.
Variant type: single nucleotide variant.
Coding change: c.313A>T on transcript NM_006158.5 (MANE Select); coding-DNA position 313, A replaced by T.
Protein change: p.Ile105Phe; replaces isoleucine 105 with phenylalanine.
Molecular consequence: missense variant.
Genome position (GRCh38, 1-based): chr8:24,956,203, T>A on the plus strand (A>T on the coding strand, the complement: NEFL is on the minus strand). VCF-style: chr8-24956203-T-A. GRCh37 (hg19) VCF-style: chr8-24813717-T-A.
Other names: short protein forms I105F.
Identifiers: ClinVar variation 3342156 (VCV003342156.16).